The following is an entry in ClinVar:

ClinVar aggregate classification (germline): Likely pathogenic (0 of 4 stars; one submission).

Submission:

University of Washington Center for Mendelian Genomics, University of Washington
Classification: Likely pathogenic. Review status: no assertion criteria provided. Collection method: research. Allele origin: de novo. Affected: yes.
Comment: MN1 N-terminal truncating mutation/MN1 whole gene deletion

Literature cited by the submitters: PubMed 31834374.

Single allele

Gene: MN1 (MN1 proto-oncogene, transcriptional regulator; minus strand). Cytogenetic location: 22q12.1.
Variant type: Deletion.
Identifiers: ClinVar variation 979028 (VCV000979028.1).